The following is an entry in ClinVar:

NM_012452.3(TNFRSF13B):c.96A>T (p.Arg32Ser)

Gene: TNFRSF13B (TNF receptor superfamily member 13B; minus strand). Cytogenetic location: 17p11.2.
Variant type: single nucleotide variant.
Coding change: c.96A>T on transcript NM_012452.3 (MANE Select); coding-DNA position 96, A replaced by T.
Protein change: p.Arg32Ser; replaces arginine 32 with serine.
Molecular consequence: missense variant.
Genome position (GRCh38, 1-based): chr17:16,952,549, T>A on the plus strand (A>T on the coding strand, the complement: TNFRSF13B is on the minus strand). VCF-style: chr17-16952549-T-A. GRCh37 (hg19) VCF-style: chr17-16855863-T-A.
Other names: short protein forms R32S.
Identifiers: ClinVar variation 2037581 (VCV002037581.4), dbSNP rs2508218579, ClinGen allele CA398520497.

ClinVar aggregate classification (germline): Uncertain significance (1 of 4 stars; one submission).

Conditions:
Immunodeficiency, common variable, 2 (CVID2). Also called: HYPOGAMMAGLOBULINEMIA DUE TO TACI DEFICIENCY; ANTIBODY DEFICIENCY DUE TO TACI DEFECT. Identifiers: Orphanet 1572, MedGen C3150354, MONDO:0009413, OMIM 240500.

Submission:

Labcorp Genetics (formerly Invitae), Labcorp
Classification: Uncertain significance for Immunodeficiency, common variable, 2. Last evaluated: 2023-07-07. Review status: criteria provided, single submitter. Criteria: Invitae Variant Classification Sherloc (09022015). Collection method: clinical testing. Allele origin: germline.
Comment: This sequence change replaces arginine, which is basic and polar, with serine, which is neutral and polar, at codon 32 of the TNFRSF13B protein (p.Arg32Ser). This variant is not present in population databases (gnomAD no frequency). This variant has not been reported in the literature in individuals affected with TNFRSF13B-related conditions. ClinVar contains an entry for this variant (Variation ID: 2037581). Advanced modeling of protein sequence and biophysical properties (such as structural, functional, and spatial information, amino acid conservation, physicochemical variation, residue mobility, and thermodynamic stability) performed at Invitae indicates that this missense variant is not expected to disrupt TNFRSF13B protein function. In summary, the available evidence is currently insufficient to determine the role of this variant in disease. Therefore, it has been classified as a Variant of Uncertain Significance.